The following is an entry in ClinVar:

ClinVar aggregate classification (germline): Uncertain significance. Review status: criteria provided, multiple submitters, no conflicts (2 of 4 stars). 2 submissions from 2 submitters: Uncertain significance (2). Last evaluated 2026-07-06.

Conditions:
Primary ciliary dyskinesia. Also called: Ciliary dyskinesia. Identifiers: Orphanet 244, MedGen C0008780, MONDO:0016575, HP:0012265.
Primary ciliary dyskinesia 28. Also called: CILIARY DYSKINESIA, PRIMARY, 28, WITH OR WITHOUT SITUS INVERSUS. Identifiers: Orphanet 244, MedGen C3809706, MONDO:0014216, OMIM 615505.

Allele frequency attached by ClinVar (database versions not stated): gnomAD 0.00001.
gnomAD v4.1: 5 of 1,601,936 alleles (0.00031%); highest among the groups gnomAD compares: Admixed American, 0.0085%; no homozygotes.

Submissions (2):

Ambry Genetics
Classification: Uncertain significance for Primary ciliary dyskinesia. Last evaluated: 2026-07-06. Review status: criteria provided, single submitter. Criteria: Ambry Variant Classification Scheme 2023. Collection method: clinical testing. Allele origin: germline.
Comment: The p.D742Y variant (also known as c.2224G>T), located in coding exon 16 of the SPAG1 gene, results from a G to T substitution at nucleotide position 2224. The aspartic acid at codon 742 is replaced by tyrosine, an amino acid with highly dissimilar properties. This amino acid position is not well conserved in available vertebrate species. In addition, this alteration is predicted to be tolerated by in silico analysis. Based on the available evidence, the clinical significance of this variant remains unclear.

Labcorp Genetics (formerly Invitae), Labcorp
Classification: Uncertain significance for Primary ciliary dyskinesia 28. Last evaluated: 2023-09-23. Review status: criteria provided, single submitter. Criteria: Invitae Variant Classification Sherloc (09022015). Collection method: clinical testing. Allele origin: germline.
Comment: In summary, the available evidence is currently insufficient to determine the role of this variant in disease. Therefore, it has been classified as a Variant of Uncertain Significance. Algorithms developed to predict the effect of sequence changes on RNA splicing suggest that this variant may disrupt the consensus splice site. Advanced modeling of protein sequence and biophysical properties (such as structural, functional, and spatial information, amino acid conservation, physicochemical variation, residue mobility, and thermodynamic stability) performed at Invitae indicates that this missense variant is not expected to disrupt SPAG1 protein function. This variant has not been reported in the literature in individuals affected with SPAG1-related conditions. This variant is present in population databases (rs754229235, gnomAD 0.01%). This sequence change replaces aspartic acid, which is acidic and polar, with tyrosine, which is neutral and polar, at codon 742 of the SPAG1 protein (p.Asp742Tyr).

NM_003114.5(SPAG1):c.2224G>T (p.Asp742Tyr)

Gene: SPAG1 (sperm associated antigen 1; plus strand). Cytogenetic location: 8q22.2.
Variant type: single nucleotide variant.
Coding change: c.2224G>T on transcript NM_003114.5 (MANE Select); coding-DNA position 2224, G replaced by T.
Protein change: p.Asp742Tyr; replaces aspartic acid 742 with tyrosine.
Molecular consequence: missense variant.
Genome position (GRCh38, 1-based): chr8:100,239,348, G>T. VCF-style: chr8-100239348-G-T. GRCh37 (hg19) VCF-style: chr8-101251576-G-T.
Other names: c.2224G>T (NM_172218.2); c.2224G>T, p.Asp742Tyr (NM_001374321.1, NM_172218.3); short protein forms D742Y.
Identifiers: ClinVar variation 2981213 (VCV002981213.4), dbSNP rs754229235, ClinGen allele CA4827699.